The following is an entry in ClinVar:

ClinVar aggregate classification (germline): Conflicting classifications of pathogenicity. Review status: criteria provided, conflicting classifications (1 of 4 stars). 3 submissions from 3 submitters: Uncertain significance (2); Likely benign (1). Last evaluated 2025-12-08.

Conditions:
Cholestasis, progressive familial intrahepatic, 4. Identifiers: Orphanet 480483, Orphanet 79304, MedGen C2931067, MONDO:0014381, OMIM 615878.
Hypercholanemia, familial 1 (FHCA1). Identifiers: Orphanet 238475, MedGen C5542604, MONDO:0031446, OMIM 607748.

Allele frequency attached by ClinVar (database versions not stated): gnomAD exomes 0.00009 and 0.00021; gnomAD 0.00014 and 0.00017; TOPMed 0.00015; 1000 Genomes Project 30x 0.00016; ExAC 0.00019; 1000 Genomes Project 0.00020.
gnomAD v4.1: 163 of 1,614,170 alleles (0.01%); highest among the groups gnomAD compares: East Asian, 0.34%; no homozygotes.

Submissions (3):

Labcorp Genetics (formerly Invitae), Labcorp
Classification: Likely benign. Last evaluated: 2025-12-08. Review status: criteria provided, single submitter. Criteria: Invitae Variant Classification Sherloc (09022015). Collection method: clinical testing. Allele origin: germline.

GeneDx
Classification: Uncertain significance. Last evaluated: 2022-11-23. Review status: criteria provided, single submitter. Criteria: GeneDx Variant Classification Process June 2021. Collection method: clinical testing. Allele origin: germline. Affected: yes.
Comment: Reported in multiple family members with hearing loss in a single family in published literature; however, the variant did not segregate with all affected family members (Wang et al., 2015).; In silico analysis supports that this missense variant has a deleterious effect on protein structure/function; This variant is associated with the following publications: (PMID: 31450555, 24752540, 26668150, 32942997)

Fulgent Genetics
Classification: Uncertain significance for Hypercholanemia, familial 1; Cholestasis, progressive familial intrahepatic, 4. Last evaluated: 2022-02-15. Review status: criteria provided, single submitter. Criteria: ACMG Guidelines, 2015. Collection method: clinical testing. Allele origin: unknown.

NM_004817.4(TJP2):c.2081G>A (p.Gly694Glu)

Gene: TJP2 (tight junction protein 2; plus strand). Cytogenetic location: 9q21.11.
Variant type: single nucleotide variant.
Coding change: c.2081G>A on transcript NM_004817.4 (MANE Select); coding-DNA position 2081, G replaced by A.
Protein change: p.Gly694Glu; replaces glycine 694 with glutamic acid.
Molecular consequence: missense variant.
Genome position (GRCh38, 1-based): chr9:69,237,038, G>A. VCF-style: chr9-69237038-G-A. GRCh37 (hg19) VCF-style: chr9-71851954-G-A.
Other names: c.2012G>A, p.Gly671Glu (NM_001170414.2, NM_001369871.1); c.2093G>A, p.Gly698Glu (NM_001170415.1, NM_001369874.1, NM_001369875.1); c.2174G>A, p.Gly725Glu (NM_001170416.2); c.2006G>A, p.Gly669Glu (NM_001369870.1); c.2081G>A, p.Gly694Glu (NM_001369872.1, NM_001369873.1, NM_201629.3); short protein forms G669E, G671E, G694E, G698E, G725E.
Identifiers: ClinVar variation 1213131 (VCV001213131.11), dbSNP rs201366118, ClinGen allele CA5073573.
Genomic context (GRCh38, chr9:69,237,038, plus strand): 5'-CCCAGAGAGACAACGCTGGGGACCGGGCAGATTTCTGGAGAATGCGTGGCCAGAGGTCTG[G>A]GGTGAAGAAGAACCTGAGGAAAAGTCGGGAAGACCTCACAGCTGTTGTGTCTGTCAGCAC-3'
Protein context (NP_004808.2, residues 684-704): DFWRMRGQRS[Gly694Glu]VKKNLRKSRE